The following is an entry in ClinVar:

NM_000083.3(CLCN1):c.1060A>G (p.Ile354Val)

Gene: CLCN1 (chloride voltage-gated channel 1; plus strand). Cytogenetic location: 7q34.
Variant type: single nucleotide variant.
Coding change: c.1060A>G on transcript NM_000083.3 (MANE Select); coding-DNA position 1060, A replaced by G.
Protein change: p.Ile354Val; replaces isoleucine 354 with valine.
Molecular consequence: missense variant. On other transcripts: non-coding transcript variant (1).
Genome position (GRCh38, 1-based): chr7:143,331,312, A>G. VCF-style: chr7-143331312-A-G. GRCh37 (hg19) VCF-style: chr7-143028405-A-G.
Other names: short protein forms I354V.
Identifiers: ClinVar variation 568351 (VCV000568351.9), dbSNP rs563864511, ClinGen allele CA4537213.

ClinVar aggregate classification (germline): Uncertain significance. Review status: criteria provided, multiple submitters, no conflicts (2 of 4 stars). 2 submissions from 2 submitters: Uncertain significance (2). Last evaluated 2025-04-07.

Conditions:
Congenital myotonia, autosomal recessive form. Also called: Becker Generalized Myotonia; BECKER DISEASE; myotonia congenita, autosomal recessive. Identifiers: Orphanet 614, MedGen C0751360, MONDO:0009715, OMIM 255700.
Congenital myotonia, autosomal dominant form (THD). Also called: THOMSEN DISEASE; Myotonia congenita autosomal dominant. Identifiers: Orphanet 614, MedGen C2936781, MONDO:0008055, OMIM 160800.

Allele frequency attached by ClinVar (database versions not stated): ExAC 0.00001; gnomAD 0.00001; gnomAD exomes 0.00001 and 0.00003; 1000 Genomes Project 30x 0.00016; 1000 Genomes Project 0.00020.
gnomAD v4.1: 11 of 1,608,984 alleles (0.00068%); highest among the groups gnomAD compares: East Asian, 0.022%; no homozygotes.

Submissions (2):

Labcorp Genetics (formerly Invitae), Labcorp
Classification: Uncertain significance for Congenital myotonia, autosomal recessive form; Congenital myotonia, autosomal dominant form. Last evaluated: 2025-04-07. Review status: criteria provided, single submitter. Criteria: Invitae Variant Classification Sherloc (09022015). Collection method: clinical testing. Allele origin: germline.
Comment: This sequence change replaces isoleucine, which is neutral and non-polar, with valine, which is neutral and non-polar, at codon 354 of the CLCN1 protein (p.Ile354Val). This variant is present in population databases (rs563864511, gnomAD 0.03%). This variant has not been reported in the literature in individuals affected with CLCN1-related conditions. ClinVar contains an entry for this variant (Variation ID: 568351). Invitae Evidence Modeling of protein sequence and biophysical properties (such as structural, functional, and spatial information, amino acid conservation, physicochemical variation, residue mobility, and thermodynamic stability) has been performed for this missense variant. However, the output from this modeling did not meet the statistical confidence thresholds required to predict the impact of this variant on CLCN1 protein function. Algorithms developed to predict the effect of sequence changes on RNA splicing suggest that this variant may create or strengthen a splice site. In summary, the available evidence is currently insufficient to determine the role of this variant in disease. Therefore, it has been classified as a Variant of Uncertain Significance.

Athena Diagnostics
Classification: Uncertain significance. Last evaluated: 2024-07-31. Review status: criteria provided, single submitter. Criteria: Athena Diagnostics Criteria. Collection method: clinical testing. Allele origin: unknown.
Comment: Available data are insufficient to determine the clinical significance of the variant at this time. The frequency of this variant in the general population is uninformative in assessment of its pathogenicity. Polyphen and MutationTaster predict this amino acid change may be damaging to the protein.